The following is an entry in ClinVar:

ClinVar aggregate classification (germline): Likely benign. Review status: criteria provided, multiple submitters, no conflicts (2 of 4 stars). 4 submissions from 4 submitters: Likely benign (3). 1 of the submissions does not count toward it. Last evaluated 2026-01-19.

Conditions:
DMXL2-related disorder. Also called: DMXL2-related condition.

Allele frequency attached by ClinVar (database versions not stated): TOPMed 0.00028; gnomAD 0.00038 and 0.00040; ESP Exome Variant Server 0.00062.
gnomAD v4.1: 606 of 1,612,652 alleles (0.038%); highest among the groups gnomAD compares: Non-Finnish European, 0.048%; 1 homozygote.

Submissions (4):

Labcorp Genetics (formerly Invitae), Labcorp
Classification: Likely benign. Last evaluated: 2026-01-19. Review status: criteria provided, single submitter. Criteria: Invitae Variant Classification Sherloc (09022015). Collection method: clinical testing. Allele origin: germline.

CeGaT Center for Human Genetics Tuebingen
Classification: Likely benign. Last evaluated: 2025-06-01. Review status: criteria provided, single submitter. Criteria: CeGaT Center For Human Genetics Tuebingen Variant Classification Criteria Version 2. Collection method: clinical testing. Allele origin: germline. Affected: yes. Observed: 5 variant alleles.
Comment: DMXL2: BP4, BP7

Blueprint Genetics
Classification: Likely benign. Last evaluated: 2024-10-10. Review status: criteria provided, single submitter. Criteria: ACMG Guidelines, 2015. Collection method: clinical testing. Allele origin: germline.

PreventionGenetics, part of Exact Sciences
Classification: Likely benign for DMXL2-related condition. Last evaluated: 2024-08-22. Review status: no assertion criteria provided. Collection method: clinical testing. Allele origin: germline. Not counted in ClinVar's aggregate classification.
Comment: This variant is classified as likely benign based on ACMG/AMP sequence variant interpretation guidelines (Richards et al. 2015 PMID: 25741868, with internal and published modifications).

NM_001378457.1(DMXL2):c.6438G>A (p.Ser2146=)

Gene: DMXL2 (Dmx like 2; minus strand). Cytogenetic location: 15q21.2.
Variant type: single nucleotide variant.
Coding change: c.6438G>A on transcript NM_001378457.1 (MANE Select); coding-DNA position 6438, G replaced by A.
Protein change: p.Ser2146=; no amino-acid change (serine 2146 retained).
Molecular consequence: synonymous variant. On other transcripts: non-coding transcript variant (2).
Genome position (GRCh38, 1-based): chr15:51,480,668, C>T on the plus strand (G>A on the coding strand, the complement: DMXL2 is on the minus strand). VCF-style: chr15-51480668-C-T. GRCh37 (hg19) VCF-style: chr15-51772865-C-T.
Other names: c.6438G>A (NM_001174116.1); c.6438G>A, p.Ser2146= (NM_001174116.3, NM_001378458.1, NM_001378459.1 and 4 more transcripts); c.4530G>A, p.Ser1510= (NM_001174117.3); c.4419G>A, p.Ser1473= (NM_001378460.1); c.6198G>A, p.Ser2066= (NM_001378464.1).
Identifiers: ClinVar variation 1597036 (VCV001597036.36), dbSNP rs139670739, ClinGen allele CA7561631.